The following is an entry in ClinVar:

ClinVar aggregate classification (germline): Likely benign. Review status: criteria provided, multiple submitters, no conflicts (2 of 4 stars). 3 submissions from 3 submitters: Likely benign (2). 1 of the submissions does not count toward it. Last evaluated 2025-11-13.

Conditions:
COL11A2-related disorder. Also called: COL11A2-related condition; COL11A2-related disorders.

Allele frequency attached by ClinVar (database versions not stated): TOPMed 0.00001; gnomAD 0.00002; gnomAD exomes 0.00004 and 0.00007; ExAC 0.00009; 1000 Genomes Project 30x 0.00016; 1000 Genomes Project 0.00020.

Submissions (3):

Labcorp Genetics (formerly Invitae), Labcorp
Classification: Likely benign. Last evaluated: 2025-11-13. Review status: criteria provided, single submitter. Criteria: Invitae Variant Classification Sherloc (09022015). Collection method: clinical testing. Allele origin: germline.

Blueprint Genetics
Classification: Likely benign. Last evaluated: 2024-10-07. Review status: criteria provided, single submitter. Criteria: ACMG Guidelines, 2015. Collection method: clinical testing. Allele origin: germline.

PreventionGenetics, part of Exact Sciences
Classification: Likely benign for COL11A2-related condition. Last evaluated: 2020-11-30. Review status: no assertion criteria provided. Collection method: clinical testing. Allele origin: germline. Not counted in ClinVar's aggregate classification.
Comment: This variant is classified as likely benign based on ACMG/AMP sequence variant interpretation guidelines (Richards et al. 2015 PMID: 25741868, with internal and published modifications).

NM_080680.3(COL11A2):c.4428+8A>T

Gene: COL11A2 (collagen type XI alpha 2 chain; minus strand). Cytogenetic location: 6p21.32.
Variant type: single nucleotide variant.
Coding change: c.4428+8A>T on transcript NM_080680.3 (MANE Select); 8 bases into the intron after coding-DNA position 4428, A replaced by T.
Molecular consequence: intron variant.
Genome position (GRCh38, 1-based): chr6:33,166,163, T>A on the plus strand (A>T on the coding strand, the complement: COL11A2 is on the minus strand). VCF-style: chr6-33166163-T-A. GRCh37 (hg19) VCF-style: chr6-33133940-T-A.
Other names: c.4428+8A>T (NM_080680.2); c.4107+8A>T (NM_080679.3); c.4170+8A>T (NM_080681.3).
Identifiers: ClinVar variation 1562583 (VCV001562583.11), dbSNP rs561983176, ClinGen allele CA3750096.